The following is an entry in ClinVar:

ClinVar aggregate classification (germline): Uncertain significance (1 of 4 stars; one submission).

Allele frequency attached by ClinVar (database versions not stated): gnomAD exomes below 0.00001; TOPMed 0.00001.

Submission:

Labcorp Genetics (formerly Invitae), Labcorp
Classification: Uncertain significance. Last evaluated: 2023-08-17. Review status: criteria provided, single submitter. Criteria: Invitae Variant Classification Sherloc (09022015). Collection method: clinical testing. Allele origin: germline.
Comment: ClinVar contains an entry for this variant (Variation ID: 1977097). This variant has not been reported in the literature in individuals affected with GPAA1-related conditions. This variant is not present in population databases (gnomAD no frequency). This sequence change replaces valine, which is neutral and non-polar, with methionine, which is neutral and non-polar, at codon 422 of the GPAA1 protein (p.Val422Met). Advanced modeling of protein sequence and biophysical properties (such as structural, functional, and spatial information, amino acid conservation, physicochemical variation, residue mobility, and thermodynamic stability) performed at Invitae indicates that this missense variant is not expected to disrupt GPAA1 protein function. In summary, the available evidence is currently insufficient to determine the role of this variant in disease. Therefore, it has been classified as a Variant of Uncertain Significance.

NM_003801.4(GPAA1):c.1264G>A (p.Val422Met)

Gene: GPAA1 (glycosylphosphatidylinositol anchor attachment 1; plus strand). Cytogenetic location: 8q24.3.
Variant type: single nucleotide variant.
Coding change: c.1264G>A on transcript NM_003801.4 (MANE Select); coding-DNA position 1264, G replaced by A.
Protein change: p.Val422Met; replaces valine 422 with methionine.
Molecular consequence: missense variant.
Genome position (GRCh38, 1-based): chr8:144,085,292, G>A. VCF-style: chr8-144085292-G-A. GRCh37 (hg19) VCF-style: chr8-145140195-G-A.
Other names: short protein forms V422M.
Identifiers: ClinVar variation 1977097 (VCV001977097.5), dbSNP rs1835978407, ClinGen allele CA372503190.